The following is an entry in ClinVar:

ClinVar aggregate classification (germline): Uncertain significance (1 of 4 stars; one submission).

Submission:

Labcorp Genetics (formerly Invitae), Labcorp
Classification: Uncertain significance. Last evaluated: 2021-04-17. Review status: criteria provided, single submitter. Criteria: Invitae Variant Classification Sherloc (09022015). Collection method: clinical testing. Allele origin: germline.
Comment: This variant is a gross deletion of the genomic region encompassing exon(s) 8-13 of the KIZ gene. The 5' boundary is likely confined to intron 7. The 3' end of this event is unknown as it extends through the termination codon beyond the assayed region for this gene and may encompass additional genes. While this deletion is not anticipated to lead to nonsense mediated decay, it is expected to alter mRNA translation or result in a truncated protein product. In summary, the available evidence is currently insufficient to determine the role of this variant in disease. Therefore, it has been classified as a Variant of Uncertain Significance. Experimental studies and prediction algorithms are not available or were not evaluated, and the functional significance of this variant is currently unknown. This variant has not been reported in the literature in individuals with KIZ-related conditions.

NC_000020.10:g.(?_21195153)_(21227214_?)del

Gene: KIZ (kizuna centrosomal protein; plus strand). Cytogenetic location: 20p11.23.
Variant type: Deletion.
Identifiers: ClinVar variation 1412162 (VCV001412162.6).